The following is an entry in ClinVar:

ClinVar aggregate classification (germline): Uncertain significance (1 of 4 stars; one submission).

Submission:

Labcorp Genetics (formerly Invitae), Labcorp
Classification: Uncertain significance. Last evaluated: 2022-10-05. Review status: criteria provided, single submitter. Criteria: Invitae Variant Classification Sherloc (09022015). Collection method: clinical testing. Allele origin: germline.
Comment: In summary, the available evidence is currently insufficient to determine the role of this variant in disease. Therefore, it has been classified as a Variant of Uncertain Significance. Advanced modeling of protein sequence and biophysical properties (such as structural, functional, and spatial information, amino acid conservation, physicochemical variation, residue mobility, and thermodynamic stability) performed at Invitae indicates that this missense variant is expected to disrupt TYRP1 protein function. This variant has not been reported in the literature in individuals affected with TYRP1-related conditions. This variant is not present in population databases (gnomAD no frequency). This sequence change replaces proline, which is neutral and non-polar, with histidine, which is basic and polar, at codon 247 of the TYRP1 protein (p.Pro247His).

NM_000550.3(TYRP1):c.740C>A (p.Pro247His)

Gene: TYRP1 (tyrosinase related protein 1; plus strand). Cytogenetic location: 9p23.
Variant type: single nucleotide variant.
Coding change: c.740C>A on transcript NM_000550.3 (MANE Select); coding-DNA position 740, C replaced by A.
Protein change: p.Pro247His; replaces proline 247 with histidine.
Molecular consequence: missense variant.
Genome position (GRCh38, 1-based): chr9:12,698,482, C>A. VCF-style: chr9-12698482-C-A. GRCh37 (hg19) VCF-style: chr9-12698482-C-A.
Other names: short protein forms P247H.
Identifiers: ClinVar variation 2098693 (VCV002098693.4), dbSNP rs747320688, ClinGen allele CA372939363.